The following is an entry in ClinVar:

ClinVar aggregate classification (germline): Pathogenic/Likely pathogenic. Review status: criteria provided, multiple submitters, no conflicts (2 of 4 stars). 21 submissions from 18 submitters: Pathogenic (13); Likely pathogenic (1). 7 of the submissions do not count toward it. Last evaluated 2026-06-17.

Conditions:
Macular dystrophy. Identifiers: MedGen C0730292, HP:0007754.
ABCA4-related disorder. Also called: ABCA4-related condition; ABCA4-related disorders. Identifiers: MedGen CN239167.
Severe early-childhood-onset retinal dystrophy (STGD1). Also called: MACULAR DYSTROPHY WITH FLECKS, TYPE 1; STGD; Stargardt macular dystrophy; Juvenile onset macular degeneration; Stargardt disease 1. Identifiers: Orphanet 364055, Orphanet 827, MedGen C1855465, MeSH D000080362, MONDO:0009549, OMIM 248200.
Cone-rod dystrophy 3 (CORD3). Identifiers: Orphanet 1872, MedGen C1858806, MONDO:0011395, OMIM 604116.
Age related macular degeneration 2. Also called: MACULAR DEGENERATION, SENILE; MACULOPATHY, AGE-RELATED, 2; MACULOPATHY, AGE-RELATED. Identifiers: MedGen C3495438, MONDO:0007932, OMIM 153800.
Retinitis pigmentosa 19 (RP19). Also called: ABCA4-Related Retinitis Pigmentosa. Identifiers: Orphanet 791, MedGen C1866422, MONDO:0011137, OMIM 601718.
Retinal dystrophy. Also called: Inherited retinal dystrophy. Identifiers: Orphanet 71862, MedGen C0854723, MeSH D058499, MONDO:0019118, HP:0000556.
Retinitis pigmentosa (RP). Identifiers: Orphanet 791, MedGen C0035334, MeSH D012174, MONDO:0019200, OMIM 268000. Inheritance: Autosomal dominant, autosomal recessive and X linked inheritance.
Stargardt disease (FFM). Also called: Fundus flavimaculatus; Stargardt's disease. Identifiers: Orphanet 827, MedGen C0271093, MONDO:0019353.

Allele frequency attached by ClinVar (database versions not stated): TOPMed 0.00005; gnomAD 0.00006; gnomAD exomes 0.00008 and 0.00009; ExAC 0.00011.
gnomAD v4.1: 128 of 1,614,042 alleles (0.0079%); highest among the groups gnomAD compares: Non-Finnish European, 0.011%; no homozygotes.

Submissions 1 to 15 of 21:

PreventionGenetics, part of Exact Sciences
Classification: Pathogenic for ABCA4-related condition. Last evaluated: 2026-06-17. Review status: criteria provided, single submitter. Criteria: ACMG Guidelines, 2015. Collection method: clinical testing. Allele origin: germline.
Comment: The ABCA4 c.768G>T variant is not predicted to result in an amino acid change (p.=). This variant is predicted to strengthen a cryptic donor splice site (SpliceAI, Jaganathan et al. 2019. PubMed ID: 30661751). Functional analysis using RT-PCR confirmed that this variant affects splicing and results in an abnormal splicing product (Sangermano et al. 2018. PubMed ID: 29162642). This variant has been reported many times in the compound heterozygous state to be causative for severe autosomal recessive retinal disorders (see for examples Maugeri et al. 1999. PubMed ID: 10090887; Table S2 in Schulz et al. 2017. PubMed ID: 28118664; Table S1 in Birtel et al. 2018. PubMed ID: 29555955; Table S4 in Jespersgaard et al. 2019. PubMed ID: 30718709). This variant is present in 0.019% of alleles in individuals of European (Non-Finnish) descent in gnomAD. Given the evidence, we interpret this variant as pathogenic.

Labcorp Genetics (formerly Invitae), Labcorp
Classification: Pathogenic. Last evaluated: 2026-01-27. Review status: criteria provided, single submitter. Criteria: Invitae Variant Classification Sherloc (09022015). Collection method: clinical testing. Allele origin: germline.
Comment: This sequence change affects codon 256 of the ABCA4 mRNA. It is a 'silent' change, meaning that it does not change the encoded amino acid sequence of the ABCA4 protein. RNA analysis indicates that this variant induces altered splicing and may result in an absent or altered protein product. This variant is present in population databases (rs62645944, gnomAD 0.02%). This variant has been observed in individual(s) with Stargardt disease (PMID: 10090887, 11726554, 15161829, 23695285). In at least one individual the data is consistent with being in trans (on the opposite chromosome) from a pathogenic variant. ClinVar contains an entry for this variant (Variation ID: 99505). Variants that disrupt the consensus splice site are a relatively common cause of aberrant splicing (PMID: 17576681, 9536098). Studies have shown that this variant results in activation of a cryptic splice site, and produces a non-functional protein and/or introduces a premature termination codon (PMID: 10090887, 29162642). For these reasons, this variant has been classified as Pathogenic.

CeGaT Center for Human Genetics Tuebingen
Classification: Pathogenic. Last evaluated: 2025-12-01. Review status: criteria provided, single submitter. Criteria: CeGaT Center For Human Genetics Tuebingen Variant Classification Criteria Version 2. Collection method: clinical testing. Allele origin: germline. Affected: yes. Observed: 10 variant alleles.
Comment: ABCA4: PM3:Very Strong, PVS1, PM2

Revvity Omics, Revvity
Classification: Pathogenic. Last evaluated: 2025-06-04. Review status: criteria provided, single submitter. Criteria: ACMG Guidelines, 2015. Collection method: clinical testing. Allele origin: germline.

Blueprint Genetics
Classification: Pathogenic for ABCA4-related disorders. Last evaluated: 2024-09-13. Review status: criteria provided, single submitter. Criteria: ACMG Guidelines, 2015. Collection method: clinical testing. Allele origin: germline. Affected: yes. Observed: 5 variant alleles.

Fulgent Genetics
Classification: Pathogenic for Age related macular degeneration 2; Severe early-childhood-onset retinal dystrophy; Retinitis pigmentosa 19; Cone-rod dystrophy 3. Last evaluated: 2024-05-09. Review status: criteria provided, single submitter. Criteria: ACMG Guidelines, 2015. Collection method: clinical testing. Allele origin: germline.

Molecular Genetics, Royal Melbourne Hospital
Classification: Pathogenic for Stargardt disease. Last evaluated: 2023-03-30. Review status: criteria provided, single submitter. Criteria: ACMG Guidelines, 2015. Collection method: clinical testing. Allele origin: germline. Affected: no.
Comment: This sequence change is a synonymous (silent) variant in exon 6 of ABCA4 that is predicted to impact splicing (SpliceAI, MaxEntScan, NNSplice). This prediction is confirmed by RT-PCR analysis of patient RNA and midi-gene generated from bacterial artificial chromosome. The assays demonstrated that the variant impacts splicing by cryptic donor site activiation in intron 6 producing a 35 bp frame-shift insertion (p.Leu257Valfs*17; PMID: 10090887, 29162642). The highest population minor allele frequency in gnomAD v2.1 is 0.02% (24/129,168 alleles) in the European (non-Finnish) population, which is consistent with recessive disease. This variant has been detected homozygous and compound heterozygous with a second pathogenic variant in multiple invidivuals with various retinal disorders, including retinitis pimentosa, Stargardt disease, and unscpeficied macular dystrophy (PMID: 10090887, 11726554, 28118664, 30718709, 33546218). Based on the classification scheme RMH Modified ACMG Guidelines v1.5.1, this variant is classified as PATHOGENIC. Following criteria are met: PS3, PM3_VeryStrong, PM2_Supporting, PP3.

Institute of Human Genetics, University of Leipzig Medical Center
Classification: Pathogenic for Cone-rod dystrophy 3. Last evaluated: 2023-03-28. Review status: criteria provided, single submitter. Criteria: ACMG Guidelines, 2015. Collection method: clinical testing. Allele origin: unknown. Inheritance: Autosomal recessive inheritance. Affected: yes.
Comment: Criteria applied: PS3,PM3_STR,PM2_SUP,PP3

Institute of Human Genetics, Univ. Regensburg, Univ. Regensburg
Classification: Pathogenic for Retinal dystrophy. Last evaluated: 2023-01-01. Review status: criteria provided, single submitter. Criteria: ACMG Guidelines, 2015. Collection method: clinical testing. Allele origin: germline. Affected: yes.

GeneDx
Classification: Pathogenic. Last evaluated: 2022-12-29. Review status: criteria provided, single submitter. Criteria: GeneDx Variant Classification Process June 2021. Collection method: clinical testing. Allele origin: germline. Affected: yes.
Comment: Published functional studies demonstrate a damaging effect, specifically, the c.768 G>T variant results in low or absent mRNA expression (Maugeri et al., 1999); In silico analysis is inconclusive as to whether the variant alters gene splicing. In the absence of RNA/functional studies, the actual effect of this sequence change is unknown.; This variant is associated with the following publications: (PMID: 26261413, 15161829, 23695285, 28118664, 31429209, 32531858, 31522899, 33706644, 22968130, 19074458, 24453473, 22264887, 10090887, 23891399, 28771251, 29310964, 31618761, 30903310, 32581362, 32810830, 33851411, 31573552, 31589614, 29555955, 30718709, 29162642, 20647261, 35119454, 35112029, 22328824, 29925512)

Institute of Medical Genetics and Applied Genomics, University Hospital Tübingen
Classification: Pathogenic. Last evaluated: 2021-09-15. Review status: criteria provided, single submitter. Criteria: ACMG Guidelines, 2015. Collection method: clinical testing. Allele origin: germline. Inheritance: Autosomal recessive inheritance. Affected: yes.

Institute of Medical Molecular Genetics, University of Zurich
Classification: Likely pathogenic for Severe early-childhood-onset retinal dystrophy. Last evaluated: 2021-01-30. Review status: criteria provided, single submitter. Criteria: ACMG Guidelines, 2015. Collection method: clinical testing. Allele origin: germline. Affected: yes.

Eurofins Ntd Llc (ga)
Classification: Pathogenic. Last evaluated: 2016-12-09. Review status: criteria provided, single submitter. Criteria: EGL Classification Definitions 2015. Collection method: clinical testing. Allele origin: germline. Observed: 1 variant allele, 1 heterozygote.

Institute of Human Genetics, Univ. Regensburg, Univ. Regensburg
Classification: Pathogenic for Severe early-childhood-onset retinal dystrophy. Last evaluated: 2016-01-01. Review status: criteria provided, single submitter. Criteria: Schulz et al. (Invest Ophthalmol Vis Sci. 2017). Collection method: clinical testing. Allele origin: germline. Affected: yes. Observed: 4 heterozygotes.

Department of Clinical Genetics, Copenhagen University Hospital, Rigshospitalet
Classification: Likely pathogenic for Macular dystrophy. Last evaluated: 2018-04-01. Review status: no assertion criteria provided. Collection method: research. Allele origin: unknown. Affected: yes. Study: VeluxRD. Not counted in ClinVar's aggregate classification.

NM_000350.3(ABCA4):c.768G>T (p.Val256=)

Gene: ABCA4 (ATP binding cassette subfamily A member 4; minus strand). Cytogenetic location: 1p22.1.
Variant type: single nucleotide variant.
Coding change: c.768G>T on transcript NM_000350.3 (MANE Select); coding-DNA position 768, G replaced by T.
Protein change: p.Val256=; no amino-acid change (valine 256 retained).
Molecular consequence: synonymous variant.
Genome position (GRCh38, 1-based): chr1:94,098,794, C>A on the plus strand (G>T on the coding strand, the complement: ABCA4 is on the minus strand). VCF-style: chr1-94098794-C-A. GRCh37 (hg19) VCF-style: chr1-94564350-C-A.
Other names: c.768G>T, p.Val256= (NM_001425324.1).
Identifiers: ClinVar variation 99505 (VCV000099505.76), dbSNP rs62645944, ClinGen allele CA227458.